The following is an entry in ClinVar:

ClinVar aggregate classification (germline): Uncertain significance (1 of 4 stars; one submission).

Conditions:
Hereditary cancer-predisposing syndrome. Also called: Neoplastic Syndromes, Hereditary; Tumor predisposition; Hereditary neoplastic syndrome; Hereditary Cancer Syndrome. Identifiers: Orphanet 140162, MedGen C0027672, MeSH D009386, MONDO:0015356.

Submission:

Ambry Genetics
Classification: Uncertain significance for Hereditary cancer-predisposing syndrome. Last evaluated: 2026-08-11. Review status: criteria provided, single submitter. Criteria: Ambry Variant Classification Scheme 2023. Collection method: clinical testing. Allele origin: germline.
Comment: The p.A921S variant (also known as c.2761G>T), located in coding exon 4 of the MSH6 gene, results from a G to T substitution at nucleotide position 2761. The alanine at codon 921 is replaced by serine, an amino acid with similar properties. This amino acid position is conserved. In addition, this alteration is predicted to be deleterious by in silico analysis. Based on the available evidence, the clinical significance of this variant remains unclear.

NM_000179.3(MSH6):c.2761G>T (p.Ala921Ser)

Gene: MSH6 (mutS homolog 6; plus strand). Cytogenetic location: 2p16.3.
Variant type: single nucleotide variant.
Coding change: c.2761G>T on transcript NM_000179.3 (MANE Select); coding-DNA position 2761, G replaced by T.
Protein change: p.Ala921Ser; replaces alanine 921 with serine.
Molecular consequence: missense variant. On other transcripts: non-coding transcript variant (5), intron variant (2).
Genome position (GRCh38, 1-based): chr2:47,800,744, G>T. VCF-style: chr2-47800744-G-T. GRCh37 (hg19) VCF-style: chr2-48027883-G-T.
Other names: c.2464G>T, p.Ala822Ser (NM_001406805.1, NM_001406818.1, NM_001406819.1 and 10 more transcripts); c.2236G>T, p.Ala746Ser (NM_001406806.1, NM_001406807.1, NM_001406799.1); c.2761G>T, p.Ala921Ser (NM_001406808.1, NM_001406809.1, NM_001406796.1 and 2 more transcripts); c.1855G>T, p.Ala619Ser (NM_001406811.1, NM_001406812.1, NM_001406814.1 and 6 more transcripts); c.2767G>T, p.Ala923Ser (NM_001406813.1); c.2593G>T, p.Ala865Ser (NM_001406826.1); c.706G>T, p.Ala236Ser (NM_001407362.1); c.2371G>T, p.Ala791Ser (NM_001281492.2); and 4 more; short protein forms A236S, A921S, A619S, A746S, A822S, A895S, A791S, A865S.
Identifiers: ClinVar variation 5024929 (VCV005024929.1).
Genomic context (GRCh38, chr2:47,800,744, plus strand): 5'-CGTTTTCCTGATTTGACTGTAGAATTGAACCGATGGGATACAGCCTTTGACCATGAAAAG[G>T]CTCGAAAGACTGGACTTATTACTCCCAAAGCAGGCTTTGACTCTGATTATGACCAAGCTC-3'
Protein context (NP_000170.1, residues 911-931): RWDTAFDHEK[Ala921Ser]RKTGLITPKA